The following is an entry in ClinVar:

NM_000215.4(JAK3):c.1254+4G>A

Gene: JAK3 (Janus kinase 3; minus strand). Cytogenetic location: 19p13.11.
Variant type: single nucleotide variant.
Coding change: c.1254+4G>A on transcript NM_000215.4 (MANE Select); 4 bases into the intron after coding-DNA position 1254, G replaced by A.
Molecular consequence: intron variant.
Genome position (GRCh38, 1-based): chr19:17,840,226, C>T on the plus strand (G>A on the coding strand, the complement: JAK3 is on the minus strand). VCF-style: chr19-17840226-C-T. GRCh37 (hg19) VCF-style: chr19-17951035-C-T.
Identifiers: ClinVar variation 1057458 (VCV001057458.5), dbSNP rs200084748, ClinGen allele CA9301957.

ClinVar aggregate classification (germline): Uncertain significance (1 of 4 stars; one submission).

Conditions:
T-B+ severe combined immunodeficiency due to JAK3 deficiency. Also called: SCID, T CELL-NEGATIVE, B CELL-POSITIVE, NK CELL-NEGATIVE; SCID, autosomal recessive, T-negative/B-positive type. Identifiers: Orphanet 35078, MedGen C1833275, MONDO:0010938, OMIM 600802.

Allele frequency attached by ClinVar (database versions not stated): TOPMed 0.00019; gnomAD 0.00021 and 0.00022; gnomAD exomes 0.00024 and 0.00038; ESP Exome Variant Server 0.00031; ExAC 0.00064.
gnomAD v4.1: 386 of 1,608,314 alleles (0.024%); highest among the groups gnomAD compares: African/African-American, 0.035%; no homozygotes.

Submission:

Labcorp Genetics (formerly Invitae), Labcorp
Classification: Uncertain significance for T-B+ severe combined immunodeficiency due to JAK3 deficiency. Last evaluated: 2023-12-22. Review status: criteria provided, single submitter. Criteria: Invitae Variant Classification Sherloc (09022015). Collection method: clinical testing. Allele origin: germline.
Comment: This sequence change falls in intron 9 of the JAK3 gene. It does not directly change the encoded amino acid sequence of the JAK3 protein. It affects a nucleotide within the consensus splice site. This variant is present in population databases (rs200084748, gnomAD 0.06%). This variant has not been reported in the literature in individuals affected with JAK3-related conditions. ClinVar contains an entry for this variant (Variation ID: 1057458). Variants that disrupt the consensus splice site are a relatively common cause of aberrant splicing (PMID: 17576681, 9536098). Algorithms developed to predict the effect of sequence changes on RNA splicing suggest that this variant is not likely to affect RNA splicing. In summary, the available evidence is currently insufficient to determine the role of this variant in disease. Therefore, it has been classified as a Variant of Uncertain Significance.

Literature cited by the submitters: PubMed 17576681; PubMed 9536098.